The following is an entry in ClinVar:

NM_016026.4(RDH11):c.69A>C (p.Gln23His)

Genes: GPHN (gephyrin; plus strand), RDH11 (retinol dehydrogenase 11; minus strand). Cytogenetic location: 14q24.1.
Variant type: single nucleotide variant.
Coding change: c.69A>C on transcript NM_016026.4 (MANE Select); coding-DNA position 69, A replaced by C.
Protein change: p.Gln23His; replaces glutamine 23 with histidine.
Molecular consequence: missense variant.
Genome position (GRCh38, 1-based): chr14:67,695,635, T>G on the plus strand (A>C on the coding strand, the complement: RDH11 is on the minus strand). VCF-style: chr14-67695635-T-G. GRCh37 (hg19) VCF-style: chr14-68162352-T-G.
Other names: c.69A>C, p.Gln23His (NM_001252650.2); short protein forms Q23H.
Identifiers: ClinVar variation 1427774 (VCV001427774.8), dbSNP rs768994306, ClinGen allele CA7238517.

ClinVar aggregate classification (germline): Uncertain significance (1 of 4 stars; one submission).

Allele frequency attached by ClinVar (database versions not stated): ExAC 0.00002.
gnomAD v4.1: 2 of 1,614,072 alleles (0.00012%); highest among the groups gnomAD compares: Non-Finnish European, 0.000085%; no homozygotes.

Submission:

Labcorp Genetics (formerly Invitae), Labcorp
Classification: Uncertain significance. Last evaluated: 2022-08-09. Review status: criteria provided, single submitter. Criteria: Invitae Variant Classification Sherloc (09022015). Collection method: clinical testing. Allele origin: germline.
Comment: This sequence change replaces glutamine, which is neutral and polar, with histidine, which is basic and polar, at codon 23 of the RDH11 protein (p.Gln23His). In summary, the available evidence is currently insufficient to determine the role of this variant in disease. Therefore, it has been classified as a Variant of Uncertain Significance. Algorithms developed to predict the effect of missense changes on protein structure and function output the following: SIFT: "Tolerated"; PolyPhen-2: "Benign"; Align-GVGD: "Class C0". The histidine amino acid residue is found in multiple mammalian species, which suggests that this missense change does not adversely affect protein function. ClinVar contains an entry for this variant (Variation ID: 1427774). This variant has not been reported in the literature in individuals affected with RDH11-related conditions. This variant is present in population databases (rs768994306, gnomAD 0.003%).